The following is an entry in ClinVar:

NM_000141.5(FGFR2):c.1493C>T (p.Ala498Val)

Gene: FGFR2 (fibroblast growth factor receptor 2; minus strand). Cytogenetic location: 10q26.13.
Variant type: single nucleotide variant.
Coding change: c.1493C>T on transcript NM_000141.5 (MANE Select); coding-DNA position 1493, C replaced by T.
Protein change: p.Ala498Val; replaces alanine 498 with valine.
Molecular consequence: missense variant. On other transcripts: non-coding transcript variant (1).
Genome position (GRCh38, 1-based): chr10:121,500,894, G>A on the plus strand (C>T on the coding strand, the complement: FGFR2 is on the minus strand). VCF-style: chr10-121500894-G-A. GRCh37 (hg19) VCF-style: chr10-123260408-G-A.
Other names: c.1496C>T, p.Ala499Val (NM_001144913.1, NM_022970.4); c.1157C>T, p.Ala386Val (NM_001144914.1); c.1226C>T, p.Ala409Val (NM_001144915.2, NM_023029.3); c.1148C>T, p.Ala383Val (NM_001144916.2); c.1145C>T, p.Ala382Val (NM_001144917.2); c.1142C>T, p.Ala381Val (NM_001144918.2); c.1229C>T, p.Ala410Val (NM_001144919.2); c.809C>T, p.Ala270Val (NM_001320654.2); and 1 more; short protein forms A381V, A382V, A410V, A383V, A270V, A386V, A496V, A498V.
Identifiers: ClinVar variation 2096486 (VCV002096486.4), dbSNP rs1847520981, ClinGen allele CA378323127.

ClinVar aggregate classification (germline): Uncertain significance (1 of 4 stars; one submission).

Conditions:
FGFR2-related craniosynostosis. Identifiers: MedGen CN231480.

Allele frequency attached by ClinVar (database versions not stated): gnomAD exomes below 0.00001; TOPMed below 0.00001.
gnomAD v4.1: 5 of 1,614,138 alleles (0.00031%); highest among the groups gnomAD compares: African/African-American, 0.0013%; no homozygotes.

Submission:

Labcorp Genetics (formerly Invitae), Labcorp
Classification: Uncertain significance for FGFR2-related craniosynostosis. Last evaluated: 2025-03-31. Review status: criteria provided, single submitter. Criteria: Invitae Variant Classification Sherloc (09022015). Collection method: clinical testing. Allele origin: germline.
Comment: This sequence change replaces alanine, which is neutral and non-polar, with valine, which is neutral and non-polar, at codon 498 of the FGFR2 protein (p.Ala498Val). This variant is not present in population databases (gnomAD no frequency). This variant has not been reported in the literature in individuals affected with FGFR2-related conditions. ClinVar contains an entry for this variant (Variation ID: 2096486). Invitae Evidence Modeling of protein sequence and biophysical properties (such as structural, functional, and spatial information, amino acid conservation, physicochemical variation, residue mobility, and thermodynamic stability) indicates that this missense variant is expected to disrupt FGFR2 protein function with a positive predictive value of 80%. In summary, the available evidence is currently insufficient to determine the role of this variant in disease. Therefore, it has been classified as a Variant of Uncertain Significance.